The following is an entry in ClinVar:

NM_152906.7(TANGO2):c.605+1G>A

Gene: TANGO2 (transport and golgi organization 2 homolog; plus strand). Cytogenetic location: 22q11.21.
Variant type: single nucleotide variant.
Coding change: c.605+1G>A on transcript NM_152906.7 (MANE Select); the canonical splice donor site of the intron after coding-DNA position 605, G replaced by A.
Molecular consequence: splice donor variant. On other transcripts: non-coding transcript variant (2), intron variant (9).
Genome position (GRCh38, 1-based): chr22:20,061,684, G>A. VCF-style: chr22-20061684-G-A. GRCh37 (hg19) VCF-style: chr22-20049207-G-A.
Other names: IVS7, G-A, +1; c.605+1G>A (NM_001283106.3, NM_001322142.2, NM_001283116.3); c.419+1G>A (NM_001322163.2, NM_001283179.3, NM_001322167.2 and 2 more transcripts); c.311+1G>A (NM_001322174.2, NM_001322172.2, NM_001322175.2 and 6 more transcripts); c.501+3G>A (NM_001322160.2); c.728+1G>A (NM_001322143.2, NM_001322141.2, NM_001283129.3); c.542+1G>A (NM_001322145.2, NM_001322147.2); c.503+1G>A (NM_001322146.2, NM_001322148.2); and 7 more.
Identifiers: ClinVar variation 208824 (VCV000208824.46), dbSNP rs372949028, ClinGen allele CA358649.

ClinVar aggregate classification (germline): Pathogenic/Likely pathogenic. Review status: criteria provided, multiple submitters, no conflicts (2 of 4 stars). 14 submissions from 14 submitters: Pathogenic (10); Likely pathogenic (1). 3 of the submissions do not count toward it. Last evaluated 2026-08-06.

Conditions:
TANGO2-related disorder. Also called: TANGO2-related condition.
Recurrent metabolic encephalomyopathic crises-rhabdomyolysis-cardiac arrhythmia-intellectual disability syndrome (MECRCN). Also called: METABOLIC CRISES, RECURRENT, WITH RHABDOMYOLYSIS, CARDIAC ARRHYTHMIAS, AND NEURODEGENERATION; Metabolic encephalomyopathic crises, recurrent, with rhabdomyolysis, cardiac arrhythmias, and neurodegeneration; TANGO2 Deficiency. Identifiers: Orphanet 480864, MedGen C5567524, MONDO:0018820, OMIM 616878.
Acute rhabdomyolysis. Identifiers: MedGen C3807306, HP:0008942.
Cardiac arrhythmia. Also called: Arrhythmia; Cardiac rhythm disease. Identifiers: MedGen C0003811, MONDO:0007263, HP:0011675.
Episodic flaccid weakness. Identifiers: MedGen C4025572, HP:0003752.
Intellectual disability. Also called: Intellectual functioning disability; intellectual disabilities; Intellectual developmental disorder. Identifiers: MedGen C3714756, MeSH D008607, MONDO:0001071, HP:0001249.
Seizure. Also called: Seizures. Identifiers: MedGen C0036572, HP:0001250.
Abnormality of metabolism/homeostasis. Identifiers: MedGen C4021768, HP:0001939.

Allele frequency attached by ClinVar (database versions not stated): gnomAD exomes 0.00002 and 0.00007; gnomAD 0.00005 and 0.00006; ESP Exome Variant Server 0.00008; TOPMed 0.00010; ExAC 0.00032.
gnomAD v4.1: 44 of 1,546,486 alleles (0.0028%); highest among the groups gnomAD compares: Admixed American, 0.026%; no homozygotes.

Submissions (14):

OLLIN Analises Genomicas, OLLIN
Classification: Pathogenic for Recurrent metabolic encephalomyopathic crises-rhabdomyolysis-cardiac arrhythmia-intellectual disability syndrome. Last evaluated: 2026-08-06. Review status: criteria provided, single submitter. Criteria: ACMG Guidelines 2015 PMID 25741868. Collection method: clinical testing. Allele origin: germline.
Comment: This variant, located at the canonical splicing site (splice donor), has been reported in ClinVar (accession VCV000208824.45), in gnomAD with an allele frequency of 0.0028%, and in the scientific literature, in compound heterozygosity, in individuals with TANGO2 related disorders (PMID: 26805781, 29891059). This variant is predicted to disrupt a canonical splice site, potentially leading to exon skipping, mRNA degradation via nonsense-mediated decay (NMD), or production of a truncated protein. According to the currently available evidence, this variant has been classified as pathogenic (PVS1, PM2_P, PM3_VS).

Labcorp Genetics (formerly Invitae), Labcorp
Classification: Pathogenic. Last evaluated: 2025-12-27. Review status: criteria provided, single submitter. Criteria: Invitae Variant Classification Sherloc (09022015). Collection method: clinical testing. Allele origin: germline.
Comment: This sequence change affects a donor splice site in intron 7 of the TANGO2 gene. It is expected to disrupt RNA splicing. Variants that disrupt the donor or acceptor splice site typically lead to a loss of protein function (PMID: 16199547), and loss-of-function variants in TANGO2 are known to be pathogenic (PMID: 26805781, 26805782). This variant is present in population databases (rs372949028, gnomAD 0.04%). Disruption of this splice site has been observed in individuals with clinical features of TANGO2-related conditions (PMID: 26805781, 30650451; internal data). ClinVar contains an entry for this variant (Variation ID: 208824). Algorithms developed to predict the effect of sequence changes on RNA splicing suggest that this variant may disrupt the consensus splice site. For these reasons, this variant has been classified as Pathogenic.

First Genomix Gene Laboratory, Genetic Diagnostics Department
Classification: Pathogenic for Recurrent metabolic encephalomyopathic crises-rhabdomyolysis-cardiac arrhythmia-intellectual disability syndrome. Last evaluated: 2025-05-22. Review status: criteria provided, single submitter. Criteria: ACMG Guidelines, 2015. Collection method: clinical testing. Allele origin: germline. Inheritance: Autosomal recessive inheritance. Affected: no. Observed: 1 variant allele.

Dasa
Classification: Pathogenic. Last evaluated: 2024-07-24. Review status: criteria provided, single submitter. Criteria: DASA Assertion Criteria. Collection method: clinical testing. Allele origin: germline.
Comment: NM_152906.7(TANGO2):c.605+1G>A affects a canonical splice site and is predicted to disrupt normal RNA splicing, leading to loss of normal protein function. Loss-of-function is an established mechanism of disease for this gene. This variant has been recurrently observed in individuals with related phenotype (PMID: 26805781; PMID: 30650451). Multiple computational predictions support a deleterious effect on the gene or gene product. The variant is present at low frequency in population datasets. Based on the available data, this variant is classified as pathogenic.

Laboratorio de Genetica e Diagnostico Molecular, Hospital Israelita Albert Einstein
Classification: Pathogenic for Recurrent metabolic encephalomyopathic crises-rhabdomyolysis-cardiac arrhythmia-intellectual disability syndrome. Last evaluated: 2024-07-08. Review status: criteria provided, single submitter. Criteria: ACMG Guidelines, 2015. Collection method: clinical testing. Allele origin: germline. Affected: yes.
Comment: ACMG classification criteria: PVS1 very strong, PM2 supporting, PM3 moderate

Fulgent Genetics
Classification: Pathogenic for Recurrent metabolic encephalomyopathic crises-rhabdomyolysis-cardiac arrhythmia-intellectual disability syndrome. Last evaluated: 2024-04-06. Review status: criteria provided, single submitter. Criteria: ACMG Guidelines, 2015. Collection method: clinical testing. Allele origin: germline.

GeneDx
Classification: Pathogenic. Last evaluated: 2023-01-11. Review status: criteria provided, single submitter. Criteria: GeneDx Variant Classification Process June 2021. Collection method: clinical testing. Allele origin: germline. Affected: yes.
Comment: Canonical splice site variant predicted to result in a null allele in a gene for which loss of function is a known mechanism of disease; This variant is associated with the following publications: (PMID: 30650451, 31980526, 26805781)

Kariminejad - Najmabadi Pathology & Genetics Center
Classification: Pathogenic for Abnormality of metabolism/homeostasis. Last evaluated: 2021-07-10. Review status: criteria provided, single submitter. Criteria: ACMG Guidelines, 2015. Collection method: clinical testing. Allele origin: germline. Affected: yes.

Broad Center for Mendelian Genomics, Broad Institute of MIT and Harvard
Classification: Likely pathogenic for Recurrent metabolic encephalomyopathic crises-rhabdomyolysis-cardiac arrhythmia-intellectual disability syndrome. Last evaluated: 2021-05-21. Review status: criteria provided, single submitter. Criteria: ACMG Guidelines, 2015. Collection method: curation. Allele origin: germline. Inheritance: Autosomal recessive inheritance.
Comment: The c.605+1G>A variant in TANGO2 has been reported in 2 individuals with metabolic encephalomyopathic crises, recurrent, with rhabdomyolysis, cardiac arrhythmias, and neurodegeneration (MECRCN) (PMID: 26805781, 29891059) and has been identified in in 0.04% (8/22394) of South Asian chromosomes by the Genome Aggregation Database (gnomAD; dbSNP ID: rs372949028). Although this variant has been seen in the general population in a heterozygous state, its frequency is not high enough to rule out a pathogenic role. Of the 2 affected individuals, 1 of those was a homozygote, and one was a compound heterozygote that carried a reported likely pathogenic variant in trans, which increases the likelihood that the c.605+1G>A variant is pathogenic (Variation ID: 208823; PMID: 26805781, 29891059). This variant has also been reported in ClinVar (Variation ID#: 208824) and has been interpreted as likely pathogenic/pathogenic by Kariminejad - Najmabadi Pathology & Genetics Center, Baylor Genetics, Rady Children's Institute for Genomic Medicine (Rady Children's Hospital San Diego), OMIM, and GeneReviews. This variant is located in the 3' splice region. Computational tools predict a splicing impact, though this information is not predictive enough to determine pathogenicity. Loss of function of the TANGO2 gene is a strongly established disease mechanism in autosomal recessive MECRCN. In summary, although additional studies are required to fully establish its clinical significance, this variant is likely pathogenic for autosomal recessive MECRCN. ACMG/AMP Criteria applied: PVS1_strong, PM3 (Richards 2015).

Rady Children's Institute for Genomic Medicine, Rady Children's Hospital San Diego
Classification: Pathogenic for Metabolic encephalomyopathic crises, recurrent, with rhabdomyolysis, cardiac arrhythmias, and neurodegeneration. Last evaluated: 2017-01-27. Review status: criteria provided, single submitter. Criteria: ACMG Guidelines, 2015. Collection method: clinical testing. Allele origin: germline. Affected: yes. Observed: 1 variant allele.
Comment: The c.605+1G>A variant is a canonical splice site variant that is predicted to result in aberrant splicing. It has been previously reported in the homozygous state in a patient with MECRCN (PMID: 26805781). This variant has been reported in one Latino and five South Asian individuals in the ExAC database, with an overall allele frequency of 0.0003192. Thus it is presumed to be rare. This genomic position is well conserved. Based on the combined evidence, the c.605+1G>A variant is classified as pathogenic.

Baylor Genetics
Classification: Pathogenic for Acute rhabdomyolysis; Episodic flaccid weakness; Intellectual disability; Seizures; Arrhythmia. Last evaluated: 2015-09-01. Review status: criteria provided, single submitter. Criteria: Submitter's publication. Collection method: clinical testing. Allele origin: germline. Inheritance: Autosomal recessive inheritance. Affected: yes. Observed: 1 variant allele, 1 homozygote. Study: TANGO2.

PreventionGenetics, part of Exact Sciences
Classification: Pathogenic for TANGO2-related condition. Last evaluated: 2024-09-25. Review status: no assertion criteria provided. Collection method: clinical testing. Allele origin: germline. Not counted in ClinVar's aggregate classification.
Comment: The TANGO2 c.605+1G>A variant is predicted to disrupt the GT donor site and interfere with normal splicing. This variant has been reported in multiple individuals with autosomal recessive TANGO2 deficiency disorder (see for example, Lalani et al. 2016. PubMed ID: 26805781; Miyake et al. 2022. PubMed ID: 36473599; Dias et al. 2023. PubMed ID: 37562170). This variant is reported in 0.036% of alleles in individuals of South Asian descent in gnomAD. Variants that disrupt the consensus splice donor site in TANGO2 are expected to be pathogenic. This variant is interpreted as pathogenic.

Institute of Human Genetics, University of Ulm
Classification: Pathogenic for Recurrent metabolic encephalomyopathic crises-rhabdomyolysis-cardiac arrhythmia-intellectual disability syndrome. Last evaluated: 2022-10-19. Review status: no assertion criteria provided. Collection method: research. Allele origin: germline. Inheritance: Autosomal recessive inheritance. Affected: yes. Observed: 3 variant alleles. Not counted in ClinVar's aggregate classification.

OMIM
Classification: Pathogenic for METABOLIC CRISES, RECURRENT, WITH RHABDOMYOLYSIS, CARDIAC ARRHYTHMIAS, AND NEURODEGENERATION. Last evaluated: 2019-05-09. Review status: no assertion criteria provided. Collection method: literature only. Allele origin: germline. Not counted in ClinVar's aggregate classification.

Literature cited by the submitters: PubMed 26805781 (cited by 4 submitters); PubMed 29891059 (cited by OLLIN Analises Genomicas, OLLIN); PubMed 16199547 (cited by Labcorp Genetics (formerly Invitae), Labcorp); PubMed 26805782 (cited by Labcorp Genetics (formerly Invitae), Labcorp); PubMed 30650451 (cited by Labcorp Genetics (formerly Invitae), Labcorp and Dasa).